The following is an entry in ClinVar:

ClinVar aggregate classification (germline): Uncertain significance (1 of 4 stars; one submission).

Submission:

Labcorp Genetics (formerly Invitae), Labcorp
Classification: Uncertain significance. Last evaluated: 2025-07-07. Review status: criteria provided, single submitter. Criteria: Invitae Variant Classification Sherloc (09022015). Collection method: clinical testing. Allele origin: germline.
Comment: This sequence change replaces proline, which is neutral and non-polar, with serine, which is neutral and polar, at codon 169 of the DEAF1 protein (p.Pro169Ser). This variant is present in population databases (rs777396337, gnomAD 0.01%). This variant has not been reported in the literature in individuals affected with DEAF1-related conditions. Invitae Evidence Modeling of protein sequence and biophysical properties (such as structural, functional, and spatial information, amino acid conservation, physicochemical variation, residue mobility, and thermodynamic stability) indicates that this missense variant is not expected to disrupt DEAF1 protein function with a negative predictive value of 80%. In summary, the available evidence is currently insufficient to determine the role of this variant in disease. Therefore, it has been classified as a Variant of Uncertain Significance.

NM_021008.4(DEAF1):c.505C>T (p.Pro169Ser)

Gene: DEAF1 (DEAF1 transcription factor; minus strand). Cytogenetic location: 11p15.5.
Variant type: single nucleotide variant.
Coding change: c.505C>T on transcript NM_021008.4 (MANE Select); coding-DNA position 505, C replaced by T.
Protein change: p.Pro169Ser; replaces proline 169 with serine.
Molecular consequence: missense variant. On other transcripts: 5 prime UTR variant (3), intron variant (1).
Genome position (GRCh38, 1-based): chr11:688,343, G>A on the plus strand (C>T on the coding strand, the complement: DEAF1 is on the minus strand). VCF-style: chr11-688343-G-A. GRCh37 (hg19) VCF-style: chr11-688343-G-A.
Other names: c.505C>T, p.Pro169Ser (NM_001293634.2, NM_001440883.1, NM_001440884.1); c.-222C>T (NM_001367390.1, NM_001440886.1, NM_001440887.1); c.-209-286C>T (NM_001440885.1); short protein forms P169S.
Identifiers: ClinVar variation 4708689 (VCV004708689.1).
Genomic context (GRCh38, chr11:688,343, plus strand): 5'-TTCTGAAACGTGTTTTGCCCGAGGCCTGGGGTGCAGGCACCGCTGTACCTGGGGTGAGGG[G>A]AGCTGCCGGGCCTTTCAGCCCGGTGGTCTCCACGATGCTCCCATCTGTGTGGACGACAAT-3'
Protein context (NP_066288.2, residues 159-179): ETTGLKGPAA[Pro169Ser]LTPGPQSPPT